The following is an entry in ClinVar:

ClinVar aggregate classification (germline): Conflicting classifications of pathogenicity. Review status: criteria provided, conflicting classifications (1 of 4 stars). 2 submissions from 2 submitters: Likely pathogenic (1); Uncertain significance (1). Last evaluated 2022-09-13.

Conditions:
Mucopolysaccharidosis type 1. Also called: IDUA deficiency; MPS I. Identifiers: Orphanet 579, MedGen C0023786, MONDO:0001586.

Submissions (2):

Labcorp Genetics (formerly Invitae), Labcorp
Classification: Uncertain significance for Mucopolysaccharidosis type 1. Last evaluated: 2022-09-13. Review status: criteria provided, single submitter. Criteria: Invitae Variant Classification Sherloc (09022015). Collection method: clinical testing. Allele origin: germline.
Comment: This sequence change creates a premature translational stop signal (p.Val636Glyfs*19) in the IDUA gene. While this is not anticipated to result in nonsense mediated decay, it is expected to disrupt the last 18 amino acid(s) of the IDUA protein. This variant is not present in population databases (gnomAD no frequency). This premature translational stop signal has been observed in individual(s) with mucopolysaccharidosis type I (PMID: 7550242). ClinVar contains an entry for this variant (Variation ID: 974984). In summary, the available evidence is currently insufficient to determine the role of this variant in disease. Therefore, it has been classified as a Variant of Uncertain Significance.

Women's Health and Genetics/Laboratory Corporation of America, LabCorp
Classification: Likely pathogenic for Mucopolysaccharidosis type 1. Last evaluated: 2020-07-16. Review status: criteria provided, single submitter. Criteria: LabCorp Variant Classification Summary - May 2015. Collection method: clinical testing. Allele origin: germline.
Comment: Variant summary: IDUA c.1907_1917del11 (p.Val636GlyfsX19) causes a frameshift which results in an extension of the protein. The variant was absent in 249106 control chromosomes. c.1907_1917del11 has been reported in the literature in at least one individual affected with Mucopolysaccharidosis Type 1 (Bunge_1995). To our knowledge, no experimental evidence demonstrating an impact on protein function has been reported. No clinical diagnostic laboratories have submitted clinical-significance assessments for this variant to ClinVar after 2014. Based on the evidence outlined above, the variant was classified as likely pathogenic.

Literature cited by the submitters: PubMed 7550242 (cited by Labcorp Genetics (formerly Invitae), Labcorp and Women's Health and Genetics/Laboratory Corporation of America, LabCorp).

NM_000203.5(IDUA):c.1907_1917del (p.Val636fs)

Gene: IDUA (alpha-L-iduronidase; plus strand). Cytogenetic location: 4p16.3.
Variant type: Deletion.
Coding change: c.1907_1917del on transcript NM_000203.5 (MANE Select); coding-DNA positions 1907 to 1917, 11 bases deleted (TGCCGTACCTG).
Protein change: p.Val636fs; shifts the reading frame from valine 636.
Molecular consequence: frameshift variant. On other transcripts: non-coding transcript variant (1).
Genome position (GRCh38, 1-based): chr4:1,004,338-1,004,348, TGCCGTACCTG deleted; deleting any 11 consecutive bases within chr4:1,004,334-1,004,348 gives the same sequence; the c. name uses the placement nearest the transcript's 3' end. VCF-style (leftmost placement, unchanged base first): chr4-1004333-CCCTGTGCCGTA-C. GRCh37 (hg19) VCF-style: chr4-998121-CCCTGTGCCGTA-C.
Other names: c.1511_1521del, p.Val504fs (NM_001363576.1); short protein forms V504fs, V636fs.
Identifiers: ClinVar variation 974984 (VCV000974984.3), dbSNP rs1715314710, ClinGen allele CA1139658409.